The following is an entry in ClinVar:

NC_000006.12:g.(?_65295863)_(65304939_?)del

Gene: EYS (eyes shut homolog; minus strand). Cytogenetic location: 6q12.
Variant type: Deletion.
Identifiers: ClinVar variation 833061 (VCV000833061.1).

ClinVar aggregate classification (germline): Pathogenic (1 of 4 stars; one submission).

Submission:

Labcorp Genetics (formerly Invitae), Labcorp
Classification: Pathogenic. Last evaluated: 2019-12-22. Review status: criteria provided, single submitter. Criteria: Invitae Variant Classification Sherloc (09022015). Collection method: clinical testing. Allele origin: germline.
Comment: This variant is an out-of-frame deletion of the genomic region encompassing exon 12 of the EYS gene. This is expected to create a premature translational stop signal and result in an absent or disrupted protein product. A similar copy number variant has been observed in individual(s) with autosomal recessive retinitis pigmentosa (PMID: 18836446). Loss-of-function variants in EYS are known to be pathogenic (PMID: 18836446, 20333770). For these reasons, this variant has been classified as Pathogenic.

Literature cited by the submitters: PubMed 18836446.